The following is an entry in ClinVar:

NM_001273.5(CHD4):c.4078T>A (p.Ser1360Thr)

Genes: CHD4 (chromodomain helicase DNA binding protein 4; minus strand), CHD4-AS1 (CHD4 antisense RNA 1; plus strand). Cytogenetic location: 12p13.31.
Variant type: single nucleotide variant.
Coding change: c.4078T>A on transcript NM_001273.5 (MANE Select); coding-DNA position 4078, T replaced by A.
Protein change: p.Ser1360Thr; replaces serine 1360 with threonine.
Molecular consequence: missense variant.
Genome position (GRCh38, 1-based): chr12:6,583,096, A>T on the plus strand (T>A on the coding strand, the complement: CHD4 is on the minus strand). VCF-style: chr12-6583096-A-T. GRCh37 (hg19) VCF-style: chr12-6692262-A-T.
Other names: c.4057T>A, p.Ser1353Thr (NM_001297553.2); c.4039T>A, p.Ser1347Thr (NM_001363606.2); short protein forms S1347T, S1353T, S1360T.
Identifiers: ClinVar variation 3895680 (VCV003895680.1).

ClinVar aggregate classification (germline): Uncertain significance (1 of 4 stars; one submission).

Submission:

Women's Health and Genetics/Laboratory Corporation of America, LabCorp
Classification: Uncertain significance. Last evaluated: 2025-03-12. Review status: criteria provided, single submitter. Criteria: LabCorp Variant Classification Summary - May 2015. Collection method: clinical testing. Allele origin: germline.
Comment: Variant summary: CHD4 c.4078T>A (p.Ser1360Thr) results in a conservative amino acid change in the encoded protein sequence. Three of five in-silico tools predict a damaging effect of the variant on protein function. The variant was absent in 228472 control chromosomes. The available data on variant occurrences in the general population are insufficient to allow any conclusion about variant significance. To our knowledge, no occurrence of c.4078T>A in individuals affected with Sifrim-Hitz Syndrome and no experimental evidence demonstrating its impact on protein function have been reported. No submitters have cited clinical-significance assessments for this variant to ClinVar. Based on the evidence outlined above, the variant was classified as uncertain significance.